The following is an entry in ClinVar:

ClinVar aggregate classification (germline): Uncertain significance (1 of 4 stars; one submission).

Submission:

Labcorp Genetics (formerly Invitae), Labcorp
Classification: Uncertain significance. Last evaluated: 2023-07-03. Review status: criteria provided, single submitter. Criteria: Invitae Variant Classification Sherloc (09022015). Collection method: clinical testing. Allele origin: germline.
Comment: In summary, the available evidence is currently insufficient to determine the role of this variant in disease. Therefore, it has been classified as a Variant of Uncertain Significance. Experimental studies and prediction algorithms are not available or were not evaluated, and the functional significance of this variant is currently unknown. ClinVar contains an entry for this variant (Variation ID: 1397128). This variant has not been reported in the literature in individuals affected with COL2A1-related conditions. This variant is not present in population databases (gnomAD no frequency). This sequence change replaces proline, which is neutral and non-polar, with leucine, which is neutral and non-polar, at codon 839 of the COL2A1 protein (p.Pro839Leu).

NM_001844.5(COL2A1):c.2516C>T (p.Pro839Leu)

Gene: COL2A1 (collagen type II alpha 1 chain; minus strand). Cytogenetic location: 12q13.11.
Variant type: single nucleotide variant.
Coding change: c.2516C>T on transcript NM_001844.5 (MANE Select); coding-DNA position 2516, C replaced by T.
Protein change: p.Pro839Leu; replaces proline 839 with leucine.
Molecular consequence: missense variant.
Genome position (GRCh38, 1-based): chr12:47,980,916, G>A on the plus strand (C>T on the coding strand, the complement: COL2A1 is on the minus strand). VCF-style: chr12-47980916-G-A. GRCh37 (hg19) VCF-style: chr12-48374699-G-A.
Other names: c.2309C>T, p.Pro770Leu (NM_033150.3); short protein forms P770L, P839L.
Identifiers: ClinVar variation 1397128 (VCV001397128.8), dbSNP rs1455812046, ClinGen allele CA384544866.